The following is an entry in ClinVar:

ClinVar aggregate classification (germline): Uncertain significance (1 of 4 stars; one submission).

Conditions:
Peroxisome biogenesis disorder. Identifiers: Orphanet 79189, MedGen C1832200, MONDO:0019234. Disease mechanism: loss of function.

Allele frequency attached by ClinVar (database versions not stated): gnomAD exomes below 0.00001; TOPMed below 0.00001; gnomAD 0.00001.

Submission:

Labcorp Genetics (formerly Invitae), Labcorp
Classification: Uncertain significance for Peroxisome biogenesis disorder. Last evaluated: 2021-08-28. Review status: criteria provided, single submitter. Criteria: Invitae Variant Classification Sherloc (09022015). Collection method: clinical testing. Allele origin: germline.
Comment: This sequence change replaces valine with methionine at codon 531 of the PEX6 protein (p.Val531Met). The valine residue is weakly conserved and there is a small physicochemical difference between valine and methionine. This variant is not present in population databases (ExAC no frequency). This variant has not been reported in the literature in individuals affected with PEX6-related conditions. Algorithms developed to predict the effect of missense changes on protein structure and function output the following: SIFT: "Tolerated"; PolyPhen-2: "Benign"; Align-GVGD: "Class C0". The methionine amino acid residue is found in multiple mammalian species, which suggests that this missense change does not adversely affect protein function. In summary, the available evidence is currently insufficient to determine the role of this variant in disease. Therefore, it has been classified as a Variant of Uncertain Significance.

NM_000287.4(PEX6):c.1591G>A (p.Val531Met)

Gene: PEX6 (peroxisomal biogenesis factor 6; minus strand). Cytogenetic location: 6p21.1.
Variant type: single nucleotide variant.
Coding change: c.1591G>A on transcript NM_000287.4 (MANE Select); coding-DNA position 1591, G replaced by A.
Protein change: p.Val531Met; replaces valine 531 with methionine.
Molecular consequence: missense variant. On other transcripts: non-coding transcript variant (1).
Genome position (GRCh38, 1-based): chr6:42,968,387, C>T on the plus strand (G>A on the coding strand, the complement: PEX6 is on the minus strand). VCF-style: chr6-42968387-C-T. GRCh37 (hg19) VCF-style: chr6-42936125-C-T.
Other names: c.1327G>A, p.Val443Met (NM_001316313.2); short protein forms V443M, V531M.
Identifiers: ClinVar variation 1045112 (VCV001045112.6), dbSNP rs1769924968, ClinGen allele CA364154313.
Genomic context (GRCh38, chr6:42,968,387, plus strand): 5'-GCACAGCCATCACACGGGCATCCTCACCCAGCCCATCACGGTCCCGGCCCAGAAGGTCCA[C>T]AGCTGTGAGCAACAGGACTGCAGGCCGGCAACGGCGGGCCCGGGAGAAGATGGCCTGCAG-3'
Protein context (NP_000278.3, residues 521-541): CRPAVLLLTA[Val531Met]DLLGRDRDGL